The following is an entry in ClinVar:

NM_173354.5(SIK1):c.2179C>T (p.Leu727Phe)

Gene: SIK1 (salt inducible kinase 1; minus strand). Cytogenetic location: 21q22.3.
Variant type: single nucleotide variant.
Coding change: c.2179C>T on transcript NM_173354.5 (MANE Select); coding-DNA position 2179, C replaced by T.
Protein change: p.Leu727Phe; replaces leucine 727 with phenylalanine.
Molecular consequence: missense variant.
Genome position (GRCh38, 1-based): chr21:43,416,915, G>A on the plus strand (C>T on the coding strand, the complement: SIK1 is on the minus strand). VCF-style: chr21-43416915-G-A. GRCh37 (hg19) VCF-style: chr21-44836795-G-A.
Other names: short protein forms L727F.
Identifiers: ClinVar variation 1007082 (VCV001007082.12), dbSNP rs2081034279, ClinGen allele CA410606505.
Genomic context (GRCh38, chr21:43,416,915, plus strand): 5'-GTGGGGGCACAGCGGGGAGGGCGGTGGGGCCGGTGCCAATGTGCAGGTGTGTGTCCAGGA[G>A]CTGCGCCGCTGAGGCCACCGGGGACGCGCCGGTCTGCAGGAGTGGGGGCGGCAGCAGCGG-3'
Protein context (NP_775490.2, residues 717-737): GASPVASAAQ[Leu727Phe]LDTHLHIGTG

ClinVar aggregate classification (germline): Uncertain significance (1 of 4 stars; one submission).

Conditions:
Developmental and epileptic encephalopathy, 30 (DEE30). Also called: Epileptic encephalopathy, early infantile, 30. Identifiers: MedGen C4225360, MONDO:0014595, OMIM 616341.

Submission:

Labcorp Genetics (formerly Invitae), Labcorp
Classification: Uncertain significance for Developmental and epileptic encephalopathy, 30. Last evaluated: 2022-06-19. Review status: criteria provided, single submitter. Criteria: Invitae Variant Classification Sherloc (09022015). Collection method: clinical testing. Allele origin: germline.
Comment: This sequence change replaces leucine, which is neutral and non-polar, with phenylalanine, which is neutral and non-polar, at codon 727 of the SIK1 protein (p.Leu727Phe). This variant is not present in population databases (gnomAD no frequency). This variant has not been reported in the literature in individuals affected with SIK1-related conditions. ClinVar contains an entry for this variant (Variation ID: 1007082). Advanced modeling of protein sequence and biophysical properties (such as structural, functional, and spatial information, amino acid conservation, physicochemical variation, residue mobility, and thermodynamic stability) performed at Invitae indicates that this missense variant is not expected to disrupt SIK1 protein function. In summary, the available evidence is currently insufficient to determine the role of this variant in disease. Therefore, it has been classified as a Variant of Uncertain Significance.